The following is an entry in ClinVar:

ClinVar aggregate classification (germline): Uncertain significance (1 of 4 stars; one submission).

Submission:

Labcorp Genetics (formerly Invitae), Labcorp
Classification: Uncertain significance. Last evaluated: 2024-05-15. Review status: criteria provided, single submitter. Criteria: Invitae Variant Classification Sherloc (09022015). Collection method: clinical testing. Allele origin: germline.
Comment: This sequence change replaces glutamine, which is neutral and polar, with lysine, which is basic and polar, at codon 1187 of the ITPR1 protein (p.Gln1187Lys). This variant is not present in population databases (gnomAD no frequency). This variant has not been reported in the literature in individuals affected with ITPR1-related conditions. Advanced modeling of protein sequence and biophysical properties (such as structural, functional, and spatial information, amino acid conservation, physicochemical variation, residue mobility, and thermodynamic stability) performed at Invitae indicates that this missense variant is not expected to disrupt ITPR1 protein function with a negative predictive value of 95%. In summary, the available evidence is currently insufficient to determine the role of this variant in disease. Therefore, it has been classified as a Variant of Uncertain Significance.

NM_001378452.1(ITPR1):c.3631C>A (p.Gln1211Lys)

Gene: ITPR1 (inositol 1,4,5-trisphosphate receptor type 1; plus strand). Cytogenetic location: 3p26.1.
Variant type: single nucleotide variant.
Coding change: c.3631C>A on transcript NM_001378452.1 (MANE Select); coding-DNA position 3631, C replaced by A.
Protein change: p.Gln1211Lys; replaces glutamine 1211 with lysine.
Molecular consequence: missense variant.
Genome position (GRCh38, 1-based): chr3:4,685,135, C>A. VCF-style: chr3-4685135-C-A. GRCh37 (hg19) VCF-style: chr3-4726819-C-A.
Other names: c.3604C>A, p.Gln1202Lys (NM_001099952.4); c.3586C>A, p.Gln1196Lys (NM_001168272.2); c.3559C>A, p.Gln1187Lys (NM_002222.7); short protein forms Q1196K, Q1187K, Q1211K, Q1202K.
Identifiers: ClinVar variation 2856239 (VCV002856239.3), dbSNP rs780278037, ClinGen allele CA351651585.